The following is an entry in ClinVar:

NM_000297.4(PKD2):c.149G>C (p.Arg50Pro)

Genes: PKD2 (polycystin 2, transient receptor potential cation channel; plus strand), LOC129992813 (ATAC-STARR-seq lymphoblastoid silent region 15559; plus strand). Cytogenetic location: 4q22.1.
Variant type: single nucleotide variant.
Coding change: c.149G>C on transcript NM_000297.4 (MANE Select); coding-DNA position 149, G replaced by C.
Protein change: p.Arg50Pro; replaces arginine 50 with proline.
Molecular consequence: missense variant. On other transcripts: non-coding transcript variant (1).
Genome position (GRCh38, 1-based): chr4:88,007,882, G>C. VCF-style: chr4-88007882-G-C. GRCh37 (hg19) VCF-style: chr4-88929034-G-C.
Other names: short protein forms R50P.
Identifiers: ClinVar variation 1404259 (VCV001404259.9), dbSNP rs1383183111, ClinGen allele CA357625444.
Genomic context (GRCh38, chr4:88,007,882, plus strand): 5'-TGGCTGGCTGCGCGGCCGTGGGCGCCAGCCTCGCCGCCCCGGGCGGCCTCTGCGAGCAGC[G>C]GGGCCTGGAGATCGAGATGCAGCGCATCCGGCAGGCGGCCGCGCGGGACCCCCCGGCCGG-3'
Protein context (NP_000288.1, residues 40-60): LAAPGGLCEQ[Arg50Pro]GLEIEMQRIR

ClinVar aggregate classification (germline): Uncertain significance (1 of 4 stars; one submission).

Conditions:
Autosomal dominant polycystic kidney disease. Identifiers: Orphanet 730, MedGen C0085413, MONDO:0004691.

Submission:

Labcorp Genetics (formerly Invitae), Labcorp
Classification: Uncertain significance for Autosomal dominant polycystic kidney disease. Last evaluated: 2021-02-17. Review status: criteria provided, single submitter. Criteria: Invitae Variant Classification Sherloc (09022015). Collection method: clinical testing. Allele origin: germline.
Comment: In summary, the available evidence is currently insufficient to determine the role of this variant in disease. Therefore, it has been classified as a Variant of Uncertain Significance. Algorithms developed to predict the effect of missense changes on protein structure and function are either unavailable or do not agree on the potential impact of this missense change (SIFT: "Tolerated"; PolyPhen-2: "Probably Damaging"; Align-GVGD: "Class C0"). This variant has not been reported in the literature in individuals with PKD2-related conditions. The frequency data for this variant in the population databases is considered unreliable, as metrics indicate insufficient coverage at this position in the ExAC database. This sequence change replaces arginine with proline at codon 50 of the PKD2 protein (p.Arg50Pro). The arginine residue is moderately conserved and there is a moderate physicochemical difference between arginine and proline.